The following is an entry in ClinVar:

ClinVar aggregate classification (germline): Uncertain significance. Review status: criteria provided, multiple submitters, no conflicts (2 of 4 stars). 2 submissions from 2 submitters: Uncertain significance (2). Last evaluated 2025-08-18.

Conditions:
Hereditary cancer-predisposing syndrome. Also called: Neoplastic Syndromes, Hereditary; Hereditary Cancer Syndrome; Hereditary neoplastic syndrome; Tumor predisposition. Identifiers: Orphanet 140162, MedGen C0027672, MeSH D009386, MONDO:0015356.
Familial cancer of breast. Also called: BREAST CANCER, FAMILIAL; Hereditary breast cancer; hereditary breast carcinoma. Identifiers: Orphanet 227535, MedGen C0346153, MONDO:0016419, OMIM 114480. Disease mechanism: loss of function.

Submissions (2):

Labcorp Genetics (formerly Invitae), Labcorp
Classification: Uncertain significance for Familial cancer of breast. Last evaluated: 2025-08-18. Review status: criteria provided, single submitter. Criteria: Invitae Variant Classification Sherloc (09022015). Collection method: clinical testing. Allele origin: germline.
Comment: This sequence change replaces alanine, which is neutral and non-polar, with aspartic acid, which is acidic and polar, at codon 230 of the CHEK2 protein (p.Ala230Asp). This variant is not present in population databases (gnomAD no frequency). This variant has not been reported in the literature in individuals affected with CHEK2-related conditions. ClinVar contains an entry for this variant (Variation ID: 1422532). An algorithm developed to predict the effect of missense changes on protein structure and function (PolyPhen-2) suggests that this variant is likely to be disruptive. In summary, the available evidence is currently insufficient to determine the role of this variant in disease. Therefore, it has been classified as a Variant of Uncertain Significance.

Ambry Genetics
Classification: Uncertain significance for Hereditary cancer-predisposing syndrome. Last evaluated: 2020-12-01. Review status: criteria provided, single submitter. Criteria: Ambry Variant Classification Scheme 2023. Collection method: clinical testing. Allele origin: germline.
Comment: The p.A230D variant (also known as c.689C>A), located in coding exon 5 of the CHEK2 gene, results from a C to A substitution at nucleotide position 689. The alanine at codon 230 is replaced by aspartic acid, an amino acid with dissimilar properties. This amino acid position is highly conserved in available vertebrate species. In addition, this alteration is predicted to be deleterious by in silico analysis. Since supporting evidence is limited at this time, the clinical significance of this alteration remains unclear.

NM_007194.4(CHEK2):c.689C>A (p.Ala230Asp)

Gene: CHEK2 (checkpoint kinase 2; minus strand). Cytogenetic location: 22q12.1.
Variant type: single nucleotide variant.
Coding change: c.689C>A on transcript NM_007194.4 (MANE Select); coding-DNA position 689, C replaced by A.
Protein change: p.Ala230Asp; replaces alanine 230 with aspartic acid.
Molecular consequence: missense variant.
Genome position (GRCh38, 1-based): chr22:28,712,012, G>T on the plus strand (C>A on the coding strand, the complement: CHEK2 is on the minus strand). VCF-style: chr22-28712012-G-T. GRCh37 (hg19) VCF-style: chr22-29108000-G-T.
Other names: c.818C>A, p.Ala273Asp (NM_001005735.3); c.26C>A, p.Ala9Asp (NM_001257387.3); c.488C>A, p.Ala163Asp (NM_001349956.3); c.689C>A, p.Ala230Asp (NM_145862.3); short protein forms A163D, A230D, A273D, A9D.
Identifiers: ClinVar variation 1422532 (VCV001422532.11), dbSNP rs730881685, ClinGen allele CA411103505.